The following is an entry in ClinVar:

ClinVar aggregate classification (germline): Uncertain significance (1 of 4 stars; one submission).

Allele frequency attached by ClinVar (database versions not stated): TOPMed below 0.00001; gnomAD 0.00001 and 0.00002; gnomAD exomes 0.00001.
gnomAD v4.1: 6 of 1,569,144 alleles (0.00038%); highest among the groups gnomAD compares: East Asian, 0.0069%; no homozygotes.

Submission:

Labcorp Genetics (formerly Invitae), Labcorp
Classification: Uncertain significance. Last evaluated: 2025-11-10. Review status: criteria provided, single submitter. Criteria: Invitae Variant Classification Sherloc (09022015). Collection method: clinical testing. Allele origin: germline.
Comment: This sequence change replaces proline, which is neutral and non-polar, with serine, which is neutral and polar, at codon 391 of the RELA protein (p.Pro391Ser). This variant is not present in population databases (gnomAD no frequency). This variant has not been reported in the literature in individuals affected with RELA-related conditions. ClinVar contains an entry for this variant (Variation ID: 1377532). An algorithm developed to predict the effect of missense changes on protein structure and function outputs the following: PolyPhen-2: "Benign". The serine amino acid residue is found in multiple mammalian species, which suggests that this missense change does not adversely affect protein function. In summary, the available evidence is currently insufficient to determine the role of this variant in disease. Therefore, it has been classified as a Variant of Uncertain Significance.

NM_021975.4(RELA):c.1171C>T (p.Pro391Ser)

Gene: RELA (RELA proto-oncogene, NF-kB subunit; minus strand). Cytogenetic location: 11q13.1.
Variant type: single nucleotide variant.
Coding change: c.1171C>T on transcript NM_021975.4 (MANE Select); coding-DNA position 1171, C replaced by T.
Protein change: p.Pro391Ser; replaces proline 391 with serine.
Molecular consequence: missense variant. On other transcripts: intron variant (1).
Genome position (GRCh38, 1-based): chr11:65,654,863, G>A on the plus strand (C>T on the coding strand, the complement: RELA is on the minus strand). VCF-style: chr11-65654863-G-A. GRCh37 (hg19) VCF-style: chr11-65422334-G-A.
Other names: c.1162C>T, p.Pro388Ser (NM_001145138.2); c.1171C>T, p.Pro391Ser (NM_001243985.2); c.1034-70C>T (NM_001243984.2); short protein forms P388S, P391S.
Identifiers: ClinVar variation 1377532 (VCV001377532.6), dbSNP rs1346474543, ClinGen allele CA381387872.